The following is an entry in ClinVar:

ClinVar aggregate classification (germline): Likely benign. Review status: criteria provided, multiple submitters, no conflicts (2 of 4 stars). 3 submissions from 3 submitters: Likely benign (3). Last evaluated 2025-11-15.

Conditions:
Alacrima, achalasia, and impaired intellectual development syndrome. Also called: Alacrima, achalasia, and intellectual disability syndrome; Alacrima, achalasia, and mental retardation syndrome. Identifiers: Orphanet 869, MedGen C4706563, MONDO:0014219, OMIM 615510.

Allele frequency attached by ClinVar (database versions not stated): 1000 Genomes Project 0.00020; ExAC 0.00038; TOPMed 0.00021; gnomAD 0.00024 and 0.00023; ESP Exome Variant Server 0.00038; gnomAD exomes 0.00031; 1000 Genomes Project 30x 0.00016.
gnomAD v4.1: 477 of 1,613,460 alleles (0.03%); highest among the groups gnomAD compares: Non-Finnish European, 0.035%; 1 homozygote.

Submissions (3):

Labcorp Genetics (formerly Invitae), Labcorp
Classification: Likely benign for Alacrima, achalasia, and impaired intellectual development syndrome. Last evaluated: 2025-11-15. Review status: criteria provided, single submitter. Criteria: Invitae Variant Classification Sherloc (09022015). Collection method: clinical testing. Allele origin: germline.

Blueprint Genetics
Classification: Likely benign. Last evaluated: 2024-11-19. Review status: criteria provided, single submitter. Criteria: ACMG Guidelines, 2015. Collection method: clinical testing. Allele origin: germline.

GeneDx
Classification: Likely benign. Last evaluated: 2016-11-01. Review status: criteria provided, single submitter. Criteria: GeneDx Variant Classification (06012015). Collection method: clinical testing. Allele origin: germline. Affected: yes.
Comment: This variant is considered likely benign or benign based on one or more of the following criteria: it is a conservative change, it occurs at a poorly conserved position in the protein, it is predicted to be benign by multiple in silico algorithms, and/or has population frequency not consistent with disease.

NM_013335.4(GMPPA):c.40+13G>A

Genes: ASIC4-AS1 (ASIC4 antisense RNA 1; minus strand), GMPPA (GDP-mannose pyrophosphorylase A; plus strand). Cytogenetic location: 2q35.
Variant type: single nucleotide variant.
Coding change: c.40+13G>A on transcript NM_013335.4 (MANE Select); 13 bases into the intron after coding-DNA position 40, G replaced by A.
Molecular consequence: intron variant.
Genome position (GRCh38, 1-based): chr2:219,500,028, G>A. VCF-style: chr2-219500028-G-A. GRCh37 (hg19) VCF-style: chr2-220364750-G-A.
Other names: c.40+13G>A (NM_205847.3).
Identifiers: ClinVar variation 389994 (VCV000389994.10), dbSNP rs199872147, ClinGen allele CA2128005.